The following is an entry in ClinVar:

NM_032447.5(FBN3):c.4582G>A (p.Gly1528Ser)

Gene: FBN3 (fibrillin 3; minus strand). Cytogenetic location: 19p13.2.
Variant type: single nucleotide variant.
Coding change: c.4582G>A on transcript NM_032447.5 (MANE Select); coding-DNA position 4582, G replaced by A.
Protein change: p.Gly1528Ser; replaces glycine 1528 with serine.
Molecular consequence: missense variant.
Genome position (GRCh38, 1-based): chr19:8,109,263, C>T on the plus strand (G>A on the coding strand, the complement: FBN3 is on the minus strand). VCF-style: chr19-8109263-C-T. GRCh37 (hg19) VCF-style: chr19-8174147-C-T.
Other names: c.4582G>A, p.Gly1528Ser (NM_001321431.2); short protein forms G1528S.
Identifiers: ClinVar variation 2108186 (VCV002108186.4), dbSNP rs2512773814, ClinGen allele CA403737375.

ClinVar aggregate classification (germline): Uncertain significance (1 of 4 stars; one submission).

Submission:

Labcorp Genetics (formerly Invitae), Labcorp
Classification: Uncertain significance. Last evaluated: 2022-03-15. Review status: criteria provided, single submitter. Criteria: Invitae Variant Classification Sherloc (09022015). Collection method: clinical testing. Allele origin: germline.
Comment: This variant has not been reported in the literature in individuals affected with FBN3-related conditions. This variant is not present in population databases (gnomAD no frequency). This sequence change replaces glycine, which is neutral and non-polar, with serine, which is neutral and polar, at codon 1528 of the FBN3 protein (p.Gly1528Ser). Algorithms developed to predict the effect of missense changes on protein structure and function are either unavailable or do not agree on the potential impact of this missense change (SIFT: "Not Available"; PolyPhen-2: "Probably Damaging"; Align-GVGD: "Not Available"). In summary, the available evidence is currently insufficient to determine the role of this variant in disease. Therefore, it has been classified as a Variant of Uncertain Significance.